The following is an entry in ClinVar:

ClinVar aggregate classification (germline): Likely benign. Review status: criteria provided, multiple submitters, no conflicts (2 of 4 stars). 3 submissions from 3 submitters: Likely benign (3). Last evaluated 2025-11-03.

Conditions:
Fanconi anemia complementation group J. Also called: BRIP1-Related Fanconi Anemia. Identifiers: Orphanet 84, MedGen C1836860, MONDO:0012187, OMIM 609054.
Familial cancer of breast. Also called: Hereditary breast cancer; BREAST CANCER, FAMILIAL; hereditary breast carcinoma. Identifiers: Orphanet 227535, MedGen C0346153, MONDO:0016419, OMIM 114480. Disease mechanism: loss of function.
Hereditary cancer-predisposing syndrome. Also called: Tumor predisposition; Neoplastic Syndromes, Hereditary; Hereditary Cancer Syndrome; Hereditary neoplastic syndrome. Identifiers: Orphanet 140162, MedGen C0027672, MeSH D009386, MONDO:0015356.

Allele frequency attached by ClinVar (database versions not stated): gnomAD exomes below 0.00001 and 0.00001; TOPMed below 0.00001; ExAC 0.00001.
gnomAD v4.1: 8 of 1,613,622 alleles (0.0005%); highest among the groups gnomAD compares: Non-Finnish European, 0.00059%; no homozygotes.

Submissions (3):

Labcorp Genetics (formerly Invitae), Labcorp
Classification: Likely benign for Familial cancer of breast; Fanconi anemia complementation group J. Last evaluated: 2025-11-03. Review status: criteria provided, single submitter. Criteria: Invitae Variant Classification Sherloc (09022015). Collection method: clinical testing. Allele origin: germline.

Myriad Genetics, Inc.
Classification: Likely benign for Familial cancer of breast. Last evaluated: 2024-08-28. Review status: criteria provided, single submitter. Criteria: Myriad Autosomal Dominant, Autosomal Recessive and X-Linked Classification Criteria (2023). Collection method: clinical testing. Allele origin: unknown.
Comment: This variant is considered likely benign. This variant is intronic and is not expected to impact mRNA splicing.

Color Diagnostics, LLC DBA Color Health
Classification: Likely benign for Hereditary cancer-predisposing syndrome. Last evaluated: 2022-05-23. Review status: criteria provided, single submitter. Criteria: ACMG Guidelines, 2015. Collection method: clinical testing. Allele origin: germline.

NM_032043.3(BRIP1):c.1629-6A>G

Gene: BRIP1 (BRCA1 interacting DNA helicase 1; minus strand). Cytogenetic location: 17q23.2.
Variant type: single nucleotide variant.
Coding change: c.1629-6A>G on transcript NM_032043.3 (MANE Select); 6 bases into the intron before coding-DNA position 1629, A replaced by G.
Molecular consequence: intron variant.
Genome position (GRCh38, 1-based): chr17:61,781,011, T>C on the plus strand (A>G on the coding strand, the complement: BRIP1 is on the minus strand). VCF-style: chr17-61781011-T-C. GRCh37 (hg19) VCF-style: chr17-59858372-T-C.
Identifiers: ClinVar variation 414676 (VCV000414676.15), dbSNP rs755767691, ClinGen allele CA8690695.